The following is an entry in ClinVar:

NM_203446.3(SYNJ1):c.2461+5G>T

Gene: SYNJ1 (synaptojanin 1; minus strand). Cytogenetic location: 21q22.11.
Variant type: single nucleotide variant.
Coding change: c.2461+5G>T on transcript NM_203446.3 (MANE Select); 5 bases into the intron after coding-DNA position 2461, G replaced by T.
Molecular consequence: intron variant.
Genome position (GRCh38, 1-based): chr21:32,657,711, C>A on the plus strand (G>T on the coding strand, the complement: SYNJ1 is on the minus strand). VCF-style: chr21-32657711-C-A. GRCh37 (hg19) VCF-style: chr21-34030021-C-A.
Other names: c.2578+5G>T (NM_003895.4); c.2461+5G>T (NM_001160302.2); c.2446+5G>T (NM_001160306.2).
Identifiers: ClinVar variation 2008905 (VCV002008905.4), dbSNP rs2517541408, ClinGen allele CA2580098563.

ClinVar aggregate classification (germline): Uncertain significance (1 of 4 stars; one submission).

Conditions:
Developmental and epileptic encephalopathy, 53. Also called: Epileptic encephalopathy, early infantile, 53. Identifiers: MedGen C4479313, MONDO:0033362, OMIM 617389.
Early-onset Parkinson disease 20. Also called: PARKINSON DISEASE 20, AUTOSOMAL RECESSIVE EARLY-ONSET. Identifiers: Orphanet 391411, MedGen C3809824, MONDO:0014233, OMIM 615530.

Submission:

Labcorp Genetics (formerly Invitae), Labcorp
Classification: Uncertain significance for Developmental and epileptic encephalopathy, 53; Early-onset Parkinson disease 20. Last evaluated: 2022-06-22. Review status: criteria provided, single submitter. Criteria: Invitae Variant Classification Sherloc (09022015). Collection method: clinical testing. Allele origin: germline.
Comment: This sequence change falls in intron 19 of the SYNJ1 gene. It does not directly change the encoded amino acid sequence of the SYNJ1 protein. It affects a nucleotide within the consensus splice site. This variant is not present in population databases (gnomAD no frequency). This variant has not been reported in the literature in individuals affected with SYNJ1-related conditions. Variants that disrupt the consensus splice site are a relatively common cause of aberrant splicing (PMID: 17576681, 9536098). Algorithms developed to predict the effect of sequence changes on RNA splicing suggest that this variant is not likely to affect RNA splicing. In summary, the available evidence is currently insufficient to determine the role of this variant in disease. Therefore, it has been classified as a Variant of Uncertain Significance.

Literature cited by the submitters: PubMed 17576681; PubMed 9536098.